The following is an entry in ClinVar:

NM_198271.5(LMOD3):c.920G>A (p.Arg307His)

Gene: LMOD3 (leiomodin 3; minus strand). Cytogenetic location: 3p14.1.
Variant type: single nucleotide variant.
Coding change: c.920G>A on transcript NM_198271.5 (MANE Select); coding-DNA position 920, G replaced by A.
Protein change: p.Arg307His; replaces arginine 307 with histidine.
Molecular consequence: missense variant.
Genome position (GRCh38, 1-based): chr3:69,119,435, C>T on the plus strand (G>A on the coding strand, the complement: LMOD3 is on the minus strand). VCF-style: chr3-69119435-C-T. GRCh37 (hg19) VCF-style: chr3-69168586-C-T.
Other names: c.920G>A, p.Arg307His (NM_001304418.3); c.920G>A (NM_198271.3); short protein forms R307H.
Identifiers: ClinVar variation 1062492 (VCV001062492.6), dbSNP rs756497709, ClinGen allele CA2488890.

ClinVar aggregate classification (germline): Uncertain significance. Review status: criteria provided, multiple submitters, no conflicts (2 of 4 stars). 3 submissions from 3 submitters: Uncertain significance (3). Last evaluated 2025-08-11.

Conditions:
Inborn genetic diseases. Identifiers: MedGen C0950123, MeSH D030342.
Nemaline myopathy 10 (NEM10). Identifiers: MedGen C4015360, MONDO:0014513, OMIM 616165.

Allele frequency attached by ClinVar (database versions not stated): ExAC 0.00001; gnomAD exomes 0.00002; TOPMed 0.00002; gnomAD 0.00003 and 0.00004.
gnomAD v4.1: 48 of 1,613,882 alleles (0.003%); highest among the groups gnomAD compares: Middle Eastern, 0.016%; no homozygotes.

Submissions (3):

Ambry Genetics
Classification: Uncertain significance for Inborn genetic diseases. Last evaluated: 2025-08-11. Review status: criteria provided, single submitter. Criteria: Ambry Variant Classification Scheme 2023. Collection method: clinical testing. Allele origin: germline.

Labcorp Genetics (formerly Invitae), Labcorp
Classification: Uncertain significance for Nemaline myopathy 10. Last evaluated: 2025-06-10. Review status: criteria provided, single submitter. Criteria: Invitae Variant Classification Sherloc (09022015). Collection method: clinical testing. Allele origin: germline.
Comment: This sequence change replaces arginine, which is basic and polar, with histidine, which is basic and polar, at codon 307 of the LMOD3 protein (p.Arg307His). This variant is present in population databases (rs756497709, gnomAD 0.005%). This missense change has been observed in individual(s) with clinical features of LMOD3-related conditions (internal data). ClinVar contains an entry for this variant (Variation ID: 1062492). An algorithm developed to predict the effect of missense changes on protein structure and function (PolyPhen-2) suggests that this variant is likely to be disruptive. In summary, the available evidence is currently insufficient to determine the role of this variant in disease. Therefore, it has been classified as a Variant of Uncertain Significance.

Kariminejad - Najmabadi Pathology & Genetics Center
Classification: Uncertain significance for Nemaline myopathy 10. Last evaluated: 2024-05-15. Review status: criteria provided, single submitter. Criteria: ACMG Guidelines, 2015. Collection method: clinical testing. Allele origin: germline. Inheritance: Autosomal recessive inheritance. Affected: yes.
Comment: PM2_Moderate,PP3_Moderate